The following is an entry in ClinVar:

NM_006031.6(PCNT):c.3949_3951del (p.Lys1317del)

Gene: PCNT (pericentrin; plus strand). Cytogenetic location: 21q22.3.
Variant type: Deletion.
Coding change: c.3949_3951del on transcript NM_006031.6 (MANE Select); coding-DNA positions 3949 to 3951, 3 bases deleted (AAG; older notation c.3949_3951delAAG).
Protein change: p.Lys1317del; deletes lysine 1317.
Molecular consequence: inframe deletion.
Genome position (GRCh38, 1-based): chr21:46,390,778-46,390,780, AAG deleted; deleting any 3 consecutive bases within chr21:46,390,777-46,390,780 gives the same sequence; the c. name uses the placement nearest the transcript's 3' end. VCF-style (leftmost placement, unchanged base first): chr21-46390776-TGAA-T. GRCh37 (hg19) VCF-style: chr21-47810691-TGAA-T.
Other names: c.3595_3597del, p.Lys1199del (NM_001315529.2); short protein forms K1199del, K1317del.
Identifiers: ClinVar variation 4981121 (VCV004981121.1).

ClinVar aggregate classification (germline): Uncertain significance (1 of 4 stars; one submission).

Conditions:
PCNT-related disorder. Also called: PCNT-related condition.

Submission:

PreventionGenetics, part of Exact Sciences
Classification: Uncertain significance for PCNT-related condition. Last evaluated: 2026-03-27. Review status: criteria provided, single submitter. Criteria: ACMG Guidelines, 2015. Collection method: clinical testing. Allele origin: germline.
Comment: The PCNT c.3949_3951delAAG variant is predicted to result in an in-frame deletion (p.Lys1317del). To our knowledge, this variant has not been reported in the literature or in a large population database (gnomAD), indicating this variant is rare. At this time, the clinical significance of this variant is uncertain due to the absence of conclusive functional and genetic evidence.